The following is an entry in ClinVar:

NM_000094.4(COL7A1):c.4039G>C (p.Gly1347Arg)

Gene: COL7A1 (collagen type VII alpha 1 chain; minus strand). Cytogenetic location: 3p21.31.
Variant type: single nucleotide variant.
Coding change: c.4039G>C on transcript NM_000094.4 (MANE Select); coding-DNA position 4039, G replaced by C.
Protein change: p.Gly1347Arg; replaces glycine 1347 with arginine.
Molecular consequence: missense variant.
Genome position (GRCh38, 1-based): chr3:48,584,742, C>G on the plus strand (G>C on the coding strand, the complement: COL7A1 is on the minus strand). VCF-style: chr3-48584742-C-G. GRCh37 (hg19) VCF-style: chr3-48622175-C-G.
Other names: short protein forms G1347R.
Identifiers: ClinVar variation 17434 (VCV000017434.19), dbSNP rs121912833, ClinGen allele CA127190.

ClinVar aggregate classification (germline): Pathogenic. Review status: criteria provided, multiple submitters, no conflicts (2 of 4 stars). 8 submissions from 8 submitters: Pathogenic (5). 3 of the submissions do not count toward it. Last evaluated 2025-10-26.

Conditions:
COL7A1-related disorder. Also called: COL7A1- related disorders; COL7A1-related condition.
Epidermolysis bullosa dystrophica. Also called: Dystrophic epidermolysis bullosa; Dystrophic epidermolysis bullosa, Hallopeau-Siemens type (formerly). Identifiers: Orphanet 303, MedGen C0079294, MONDO:0006543.
Epidermolysis bullosa dystrophica, autosomal recessive, localisata variant. Identifiers: MedGen C2673611.

gnomAD v4.1: 6 of 1,614,014 alleles (0.00037%); highest among the groups gnomAD compares: South Asian, 0.0022%; no homozygotes.

Submissions (8):

Labcorp Genetics (formerly Invitae), Labcorp
Classification: Pathogenic. Last evaluated: 2025-10-26. Review status: criteria provided, single submitter. Criteria: Invitae Variant Classification Sherloc (09022015). Collection method: clinical testing. Allele origin: germline.
Comment: This sequence change replaces glycine, which is neutral and non-polar, with arginine, which is basic and polar, at codon 1347 of the COL7A1 protein (p.Gly1347Arg). This variant is present in population databases (rs121912833, gnomAD 0.006%). This missense change has been observed in individual(s) with autosomal recessive dystrophic epidermolysis bullosa (PMID: 9804332, 12485454). It has also been observed to segregate with disease in related individuals. ClinVar contains an entry for this variant (Variation ID: 17434). Invitae Evidence Modeling of protein sequence and biophysical properties (such as structural, functional, and spatial information, amino acid conservation, physicochemical variation, residue mobility, and thermodynamic stability) indicates that this missense variant is expected to disrupt COL7A1 protein function with a positive predictive value of 95%. This variant disrupts the triple helix domain of COL7A1. Glycine residues within the Gly-Xaa-Yaa repeats of the triple helix domain are required for the structure and stability of fibrillar collagens (PMID: 7695699, 8218237, 19344236), and variants at these glycine residues in COL7A1 are more frequently observed in individuals with disease than in the general population (PMID: 22058051). However, the clinical significance of this observation remains uncertain since only a limited number of affected individuals have been described to date. This variant disrupts the p.Gly1347 amino acid residue in COL7A1. Other variant(s) that disrupt this residue have been determined to be pathogenic (PMID: 16484981, 18565177). This suggests that this residue is clinically significant, and that variants that disrupt this residue are likely to be disease-causing. For these reasons, this variant has been classified as Pathogenic.

Natera, Inc.
Classification: Pathogenic for Dystrophic epidermolysis bullosa. Last evaluated: 2025-01-16. Review status: criteria provided, single submitter. Criteria: Natera Variant Classification Schema (03/2026). Collection method: clinical testing. Allele origin: germline.
Comment: The c.4039G>C variant in COL7A1 is a missense variant predicted to cause substitution of glycine to arginine at amino acid 1347. This variant is rare in the general population with a frequency below the threshold expected for the associated phenotype(s). This variant has been observed in one or more individuals affected with the associated recessive disease, as either homozygous or compound heterozygous with a second variant (PMID: 9804332, 27899325, 26707537). Additionally, this variant has been observed to segregate in affected family members (PMID: 9804332, 27899325). Computational prediction algorithms indicate this variant is likely to affect gene or protein function. Given the available evidence, this variant is classified as Pathogenic.

Institute for Clinical Genetics, University Hospital TU Dresden, University Hospital TU Dresden
Classification: Pathogenic. Last evaluated: 2023-08-01. Review status: criteria provided, single submitter. Criteria: ACMG Guidelines, 2015. Collection method: clinical testing. Allele origin: germline.
Comment: PP4, PP3, PM5, PS4, PM2_SUP

GeneDx
Classification: Pathogenic. Last evaluated: 2022-01-12. Review status: criteria provided, single submitter. Criteria: GeneDx Variant Classification Process June 2021. Collection method: clinical testing. Allele origin: germline. Affected: yes.
Comment: Located in the highly conserved Gly-X-Y repeat of the collagenous domain; Glycine substitution variants in this region of the COLVII protein destabilize the collagen triple helix resulting in skin fragility due to poor anchoring of the basement membrane to the underlying dermis (Pfendner and Lucky, 2018); In silico analysis supports that this missense variant has a deleterious effect on protein structure/function; This variant is associated with the following publications: (PMID: 12485454, 21448560, 25525159, 10504458, 16271705, 31670143, 26707537, 9804332, 20301481, 24077912)

Blueprint Genetics
Classification: Pathogenic for COL7A1-related disorders. Last evaluated: 2020-06-25. Review status: criteria provided, single submitter. Criteria: ACMG Guidelines, 2015. Collection method: clinical testing. Allele origin: germline. Affected: yes. Observed: 1 variant allele.

OMIM
Classification: Pathogenic for EPIDERMOLYSIS BULLOSA DYSTROPHICA, AUTOSOMAL RECESSIVE, LOCALISATA VARIANT. Last evaluated: 1998-11-01. Review status: no assertion criteria provided. Collection method: literature only. Allele origin: germline. Not counted in ClinVar's aggregate classification.

Diagnostic Laboratory, Department of Genetics, University Medical Center Groningen
Classification: Pathogenic. Review status: no assertion criteria provided. Collection method: clinical testing. Allele origin: germline. Affected: yes. Study: VKGL Data-share Consensus. Not counted in ClinVar's aggregate classification.

Joint Genome Diagnostic Labs from Nijmegen and Maastricht, Radboudumc and MUMC+
Classification: Pathogenic. Review status: no assertion criteria provided. Collection method: clinical testing. Allele origin: germline. Affected: yes. Study: VKGL Data-share Consensus. Not counted in ClinVar's aggregate classification.

Literature cited by the submitters: PubMed 9804332 (cited by 3 submitters); PubMed 12485454 (cited by Labcorp Genetics (formerly Invitae), Labcorp); PubMed 7695699 (cited by Labcorp Genetics (formerly Invitae), Labcorp); PubMed 8218237 (cited by Labcorp Genetics (formerly Invitae), Labcorp); PubMed 19344236 (cited by Labcorp Genetics (formerly Invitae), Labcorp); PubMed 22058051 (cited by Labcorp Genetics (formerly Invitae), Labcorp); PubMed 16484981 (cited by Labcorp Genetics (formerly Invitae), Labcorp); PubMed 18565177 (cited by Labcorp Genetics (formerly Invitae), Labcorp); PubMed 27899325 (cited by Natera, Inc.); PubMed 26707537 (cited by Natera, Inc.).